The following is an entry in ClinVar:

NM_057176.3(BSND):c.698G>A (p.Cys233Tyr)

Gene: BSND (barttin CLCNK type accessory subunit beta; plus strand). Cytogenetic location: 1p32.3.
Variant type: single nucleotide variant.
Coding change: c.698G>A on transcript NM_057176.3 (MANE Select); coding-DNA position 698, G replaced by A.
Protein change: p.Cys233Tyr; replaces cysteine 233 with tyrosine.
Molecular consequence: missense variant.
Genome position (GRCh38, 1-based): chr1:55,008,363, G>A. VCF-style: chr1-55008363-G-A. GRCh37 (hg19) VCF-style: chr1-55474036-G-A.
Other names: short protein forms C233Y.
Identifiers: ClinVar variation 3703140 (VCV003703140.2).
Genomic context (GRCh38, chr1:55,008,363, plus strand): 5'-CATCTCCACATGACAGGGAGGAAGCTTGTTCCCCACAACAGGAACCTCAGGGCTGCAGGT[G>A]CCCGCTGGACCGCTTCCAAGACTTTGCCCTGATTGATGCCCCAACGTTGGAGGATGAGCC-3'
Protein context (NP_476517.1, residues 223-243): SPQQEPQGCR[Cys233Tyr]PLDRFQDFAL

ClinVar aggregate classification (germline): Uncertain significance (1 of 4 stars; one submission).

gnomAD v4.1: 4 of 1,614,248 alleles (0.00025%); highest among the groups gnomAD compares: Non-Finnish European, 0.00025%; no homozygotes.

Submission:

Labcorp Genetics (formerly Invitae), Labcorp
Classification: Uncertain significance. Last evaluated: 2024-10-02. Review status: criteria provided, single submitter. Criteria: Invitae Variant Classification Sherloc (09022015). Collection method: clinical testing. Allele origin: germline.
Comment: This sequence change replaces cysteine, which is neutral and slightly polar, with tyrosine, which is neutral and polar, at codon 233 of the BSND protein (p.Cys233Tyr). This variant is not present in population databases (gnomAD no frequency). This variant has not been reported in the literature in individuals affected with BSND-related conditions. Invitae Evidence Modeling of protein sequence and biophysical properties (such as structural, functional, and spatial information, amino acid conservation, physicochemical variation, residue mobility, and thermodynamic stability) indicates that this missense variant is not expected to disrupt BSND protein function with a negative predictive value of 80%. In summary, the available evidence is currently insufficient to determine the role of this variant in disease. Therefore, it has been classified as a Variant of Uncertain Significance.